The following is an entry in ClinVar:

NM_138387.4(G6PC3):c.232G>A (p.Asp78Asn)

Gene: G6PC3 (glucose-6-phosphatase catalytic subunit 3; plus strand). Cytogenetic location: 17q21.31.
Variant type: single nucleotide variant.
Coding change: c.232G>A on transcript NM_138387.4 (MANE Select); coding-DNA position 232, G replaced by A.
Protein change: p.Asp78Asn; replaces aspartic acid 78 with asparagine.
Molecular consequence: missense variant. On other transcripts: 5 prime UTR variant (4).
Genome position (GRCh38, 1-based): chr17:44,074,173, G>A. VCF-style: chr17-44074173-G-A. GRCh37 (hg19) VCF-style: chr17-42151541-G-A.
Other names: c.232G>A, p.Asp78Asn (NM_001319945.2); c.-114G>A (NM_001384165.1, NM_001384166.1, NM_001384167.1 and 1 more transcripts); short protein forms D78N.
Identifiers: ClinVar variation 4871591 (VCV004871591.1).
Genomic context (GRCh38, chr17:44,074,173, plus strand): 5'-GGCTGTGTGTGCATGTGGAAAGTCATCTTGCATCTGTTCTCTTCCAGGTTTCTTTTTGGA[G>A]ACAGGCCCTTTTGGTGGGTCCATGAGTCTGGTTACTACAGCCAGGCTCCAGCCCAGGTTC-3'
Protein context (NP_612396.1, residues 68-88): NLIFKWFLFG[Asp78Asn]RPFWWVHESG

ClinVar aggregate classification (germline): Uncertain significance (1 of 4 stars; one submission).

Conditions:
Inborn genetic diseases. Identifiers: MedGen C0950123, MeSH D030342.

gnomAD v4.1: 2 of 1,613,464 alleles (0.00012%); highest among the groups gnomAD compares: Non-Finnish European, 0.00017%; no homozygotes.

Submission:

Ambry Genetics
Classification: Uncertain significance for Inborn genetic diseases. Last evaluated: 2026-04-20. Review status: criteria provided, single submitter. Criteria: Ambry Variant Classification Scheme 2023. Collection method: clinical testing. Allele origin: germline.
Comment: The p.D78N variant (also known as c.232G>A), located in coding exon 2 of the G6PC3 gene, results from a G to A substitution at nucleotide position 232. The aspartic acid at codon 78 is replaced by asparagine, an amino acid with highly similar properties. This amino acid position is conserved. In addition, this alteration is predicted to be tolerated by in silico analysis. Based on the available evidence, the clinical significance of this variant remains unclear.